The following is an entry in ClinVar:

ClinVar aggregate classification (germline): Likely benign (1 of 4 stars; one submission).

Submission:

CeGaT Center for Human Genetics Tuebingen
Classification: Likely benign. Last evaluated: 2026-08-01. Review status: criteria provided, single submitter. Criteria: CeGaT Center For Human Genetics Tuebingen Variant Classification Criteria Version 2. Collection method: clinical testing. Allele origin: germline. Affected: yes. Observed: 3 variant alleles.
Comment: TMEM151A: BP4, BP7, BS2

NM_153266.4(TMEM151A):c.1374C>T (p.Ser458=)

Gene: TMEM151A (transmembrane protein 151A; plus strand). Cytogenetic location: 11q13.2.
Variant type: single nucleotide variant.
Coding change: c.1374C>T on transcript NM_153266.4 (MANE Select); coding-DNA position 1374, C replaced by T.
Protein change: p.Ser458=; no amino-acid change (serine 458 retained).
Molecular consequence: synonymous variant.
Genome position (GRCh38, 1-based): chr11:66,295,620, C>T. VCF-style: chr11-66295620-C-T. GRCh37 (hg19) VCF-style: chr11-66063091-C-T.
Identifiers: ClinVar variation 3770498 (VCV003770498.13).